The following is an entry in ClinVar:

NM_000123.4(ERCC5):c.-1C>G

Genes: BIVM-ERCC5 (BIVM-ERCC5 readthrough; plus strand), ERCC5 (ERCC excision repair 5, endonuclease; plus strand). Cytogenetic location: 13q33.1.
Variant type: single nucleotide variant.
Coding change: c.-1C>G on transcript NM_000123.4 (MANE Select); 1 bases upstream of the start codon, C replaced by G.
Molecular consequence: 5 prime UTR variant. On other transcripts: intron variant (1).
Genome position (GRCh38, 1-based): chr13:102,846,266, C>G. VCF-style: chr13-102846266-C-G. GRCh37 (hg19) VCF-style: chr13-103498616-C-G.
Other names: c.1451-5852C>G (NM_001204425.2).
Identifiers: ClinVar variation 135536 (VCV000135536.1), dbSNP rs587777944, ClinGen allele CA162993.

ClinVar aggregate classification (germline): not provided (0 of 4 stars; one submission).

Submission:

ITMI
No classification provided. Condition: AllHighlyPenetrant. Last evaluated: 2013-09-19. Review status: no classification provided. Collection method: reference population. Allele origin: germline.
Comment: Please see associated publication for description of ethnicities

Literature cited by the submitters: PubMed 24728327.